The following is an entry in ClinVar:

NM_006440.5(TXNRD2):c.1522C>T (p.Arg508Cys)

Gene: TXNRD2 (thioredoxin reductase 2; minus strand). Cytogenetic location: 22q11.21.
Variant type: single nucleotide variant.
Coding change: c.1522C>T on transcript NM_006440.5 (MANE Select); coding-DNA position 1522, C replaced by T.
Protein change: p.Arg508Cys; replaces arginine 508 with cysteine.
Molecular consequence: missense variant. On other transcripts: non-coding transcript variant (1).
Genome position (GRCh38, 1-based): chr22:19,877,158, G>A on the plus strand (C>T on the coding strand, the complement: TXNRD2 is on the minus strand). VCF-style: chr22-19877158-G-A. GRCh37 (hg19) VCF-style: chr22-19864681-G-A.
Other names: c.1522C>T (NM_006440.3); c.1519C>T, p.Arg507Cys (NM_001352300.2); c.1432C>T, p.Arg478Cys (NM_001352301.2); c.1234C>T, p.Arg412Cys (NM_001352302.2); short protein forms R508C, R412C, R478C, R507C.
Identifiers: ClinVar variation 1473584 (VCV001473584.7), dbSNP rs368176907, ClinGen allele CA10103603.
Genomic context (GRCh38, chr22:19,877,158, plus strand): 5'-ATGGCGCTTACCCTCAGCAGCCTGTCACCGTGGGGTCCAGGCCTGAGCGCTTGGAGATGC[G>A]CAGCTTGACTACCTCCTCAGAGCATGTGGGATGGATACCCACGGTCCGCATCACCTGCGC-3'
Protein context (NP_006431.2, residues 498-518): PTCSEEVVKL[Arg508Cys]ISKRSGLDPT

ClinVar aggregate classification (germline): Uncertain significance. Review status: criteria provided, multiple submitters, no conflicts (2 of 4 stars). 2 submissions from 2 submitters: Uncertain significance (2). Last evaluated 2024-08-11.

Conditions:
Primary dilated cardiomyopathy (DCM). Also called: Dilated Cardiomyopathy. Identifiers: Orphanet 217604, MedGen C0007193, MeSH D002311, MONDO:0005021, HP:0001644. Inheritance: Various modes of inheritance.
Cardiovascular phenotype. Identifiers: MedGen CN230736.

Allele frequency attached by ClinVar (database versions not stated): gnomAD exomes 0.00001 and 0.00003; ExAC 0.00002; gnomAD 0.00003 and 0.00004; TOPMed 0.00003; ESP Exome Variant Server 0.00008.

Submissions (2):

Ambry Genetics
Classification: Uncertain significance for Cardiovascular phenotype. Last evaluated: 2024-08-11. Review status: criteria provided, single submitter. Criteria: Ambry Variant Classification Scheme 2023. Collection method: clinical testing. Allele origin: germline.
Comment: The p.R508C variant (also known as c.1522C>T), located in coding exon 17 of the TXNRD2 gene, results from a C to T substitution at nucleotide position 1522. The arginine at codon 508 is replaced by cysteine, an amino acid with highly dissimilar properties. This amino acid position is conserved. In addition, this alteration is predicted to be tolerated by in silico analysis. Based on the available evidence, the clinical significance of this variant remains unclear.

Labcorp Genetics (formerly Invitae), Labcorp
Classification: Uncertain significance for Primary dilated cardiomyopathy. Last evaluated: 2024-05-08. Review status: criteria provided, single submitter. Criteria: Invitae Variant Classification Sherloc (09022015). Collection method: clinical testing. Allele origin: germline.
Comment: This sequence change replaces arginine, which is basic and polar, with cysteine, which is neutral and slightly polar, at codon 508 of the TXNRD2 protein (p.Arg508Cys). This variant is present in population databases (rs368176907, gnomAD 0.008%). This variant has not been reported in the literature in individuals affected with TXNRD2-related conditions. ClinVar contains an entry for this variant (Variation ID: 1473584). An algorithm developed to predict the effect of missense changes on protein structure and function (PolyPhen-2) suggests that this variant is likely to be disruptive. In summary, the available evidence is currently insufficient to determine the role of this variant in disease. Therefore, it has been classified as a Variant of Uncertain Significance.